The following is an entry in ClinVar:

NM_001303256.3(MORC2):c.2325G>A (p.Glu775=)

Gene: MORC2 (MORC family CW-type zinc finger 2; minus strand). Cytogenetic location: 22q12.2.
Variant type: single nucleotide variant.
Coding change: c.2325G>A on transcript NM_001303256.3 (MANE Select); coding-DNA position 2325, G replaced by A.
Protein change: p.Glu775=; no amino-acid change (glutamic acid 775 retained).
Molecular consequence: synonymous variant.
Genome position (GRCh38, 1-based): chr22:30,934,060, C>T on the plus strand (G>A on the coding strand, the complement: MORC2 is on the minus strand). VCF-style: chr22-30934060-C-T. GRCh37 (hg19) VCF-style: chr22-31330047-C-T.
Other names: c.2325G>A, p.Glu775= (NM_001303257.2); c.2139G>A, p.Glu713= (NM_014941.3).
Identifiers: ClinVar variation 3701608 (VCV003701608.2).
Genomic context (GRCh38, chr22:30,934,060, plus strand): 5'-CTGGTGGGGGCTGCAGGCCCTAGAGAGAGAGGCTTTGAGAACCTCACCTCAACCACTCAC[C>T]TCATTCGAGTCCTTCTTTTCCTCCTTCACAACAAATCTGCCCCGCTTGCACCTCTCCTTC-3'
Protein context (NP_001290185.1, residues 765-785): VVKEEKKDSN[Glu775=]LSDSAGEEDS

ClinVar aggregate classification (germline): Uncertain significance (1 of 4 stars; one submission).

Conditions:
Charcot-Marie-Tooth disease axonal type 2Z. Also called: CHARCOT-MARIE-TOOTH DISEASE, AXONAL, AUTOSOMAL DOMINANT, TYPE 2Z; CHARCOT-MARIE-TOOTH NEUROPATHY, TYPE 2Z. Identifiers: Orphanet 466768, MedGen C5569025, MONDO:0014736, OMIM 616688.

gnomAD v4.1: 2 of 1,614,128 alleles (0.00012%); highest among the groups gnomAD compares: Non-Finnish European, 0.00017%; no homozygotes.

Submission:

Labcorp Genetics (formerly Invitae), Labcorp
Classification: Uncertain significance for Charcot-Marie-Tooth disease axonal type 2Z. Last evaluated: 2024-06-19. Review status: criteria provided, single submitter. Criteria: Invitae Variant Classification Sherloc (09022015). Collection method: clinical testing. Allele origin: germline.
Comment: This sequence change affects codon 775 of the MORC2 mRNA. It is a 'silent' change, meaning that it does not change the encoded amino acid sequence of the MORC2 protein. This variant also falls at the last nucleotide of exon 20, which is part of the consensus splice site for this exon. This variant is present in population databases (rs541237963, gnomAD no frequency). This variant has not been reported in the literature in individuals affected with MORC2-related conditions. Variants that disrupt the consensus splice site are a relatively common cause of aberrant splicing (PMID: 17576681, 9536098). Algorithms developed to predict the effect of sequence changes on RNA splicing suggest that this variant may disrupt the consensus splice site. In summary, the available evidence is currently insufficient to determine the role of this variant in disease. Therefore, it has been classified as a Variant of Uncertain Significance.

Literature cited by the submitters: PubMed 17576681; PubMed 9536098.